The following is an entry in ClinVar:

NM_175053.4(KRT74):c.410G>A (p.Arg137His)

Gene: KRT74 (keratin 74; minus strand). Cytogenetic location: 12q13.13.
Variant type: single nucleotide variant.
Coding change: c.410G>A on transcript NM_175053.4 (MANE Select); coding-DNA position 410, G replaced by A.
Protein change: p.Arg137His; replaces arginine 137 with histidine.
Molecular consequence: missense variant.
Genome position (GRCh38, 1-based): chr12:52,573,368, C>T on the plus strand (G>A on the coding strand, the complement: KRT74 is on the minus strand). VCF-style: chr12-52573368-C-T. GRCh37 (hg19) VCF-style: chr12-52967152-C-T.
Other names: short protein forms R137H.
Identifiers: ClinVar variation 2731560 (VCV002731560.3), dbSNP rs747946851, ClinGen allele CA6584117.
Genomic context (GRCh38, chr12:52,573,368, plus strand): 5'-TTGTCAATGAAGGAGGCGAACTTGTCGTTCAGCACCTTGATCTGTTCCCGCTCCTGGGCG[C>T]GCACCTTCTGGATCTCAGGGTCCAGCTCCACGTTGAGGGGGGCCAAGAGGCTCTTGTTGA-3'
Protein context (NP_778223.2, residues 127-147): VELDPEIQKV[Arg137His]AQEREQIKVL

ClinVar aggregate classification (germline): Uncertain significance (1 of 4 stars; one submission).

Allele frequency attached by ClinVar (database versions not stated): TOPMed 0.00001; ExAC 0.00002; gnomAD 0.00002.
gnomAD v4.1: 54 of 1,614,098 alleles (0.0033%); highest among the groups gnomAD compares: African/African-American, 0.008%; no homozygotes.

Submission:

Labcorp Genetics (formerly Invitae), Labcorp
Classification: Uncertain significance. Last evaluated: 2023-03-14. Review status: criteria provided, single submitter. Criteria: Invitae Variant Classification Sherloc (09022015). Collection method: clinical testing. Allele origin: germline.
Comment: This variant has not been reported in the literature in individuals affected with KRT74-related conditions. This variant is present in population databases (rs747946851, gnomAD 0.01%). This sequence change replaces arginine, which is basic and polar, with histidine, which is basic and polar, at codon 137 of the KRT74 protein (p.Arg137His). Advanced modeling of protein sequence and biophysical properties (such as structural, functional, and spatial information, amino acid conservation, physicochemical variation, residue mobility, and thermodynamic stability) performed at Invitae indicates that this missense variant is expected to disrupt KRT74 protein function. In summary, the available evidence is currently insufficient to determine the role of this variant in disease. Therefore, it has been classified as a Variant of Uncertain Significance.